The following is an entry in ClinVar:

NM_199168.4(CXCL12):c.-27CCGC[4]

Gene: CXCL12 (C-X-C motif chemokine ligand 12; minus strand). Cytogenetic location: 10q11.21.
Variant type: Microsatellite.
Coding change: c.-27CCGC[4] on transcript NM_199168.4 (MANE Select); four copies in a row of the 4-base unit CCGC starting at c.-27; the reference has six copies in a row; two copies, 8 bases deleted.
Molecular consequence: 5 prime UTR variant.
Genome position (GRCh38, 1-based): chr10:44,385,009-44,385,016, GCGGGCGG deleted on the plus strand (CCGCCCGC on the coding strand, the reverse complement: CXCL12 is on the minus strand); deleting any 8 consecutive bases within chr10:44,385,009-44,385,032 gives the same sequence; the position shown is the placement nearest the transcript's 3' end. VCF-style (leftmost placement, unchanged base first): chr10-44385008-CGCGGGCGG-C. GRCh37 (hg19) VCF-style: chr10-44880456-CGCGGGCGG-C.
Other names: c.-27CCGC[4] (NM_000609.7, NM_001033886.2, NM_001178134.2 and 1 more transcripts).
Identifiers: ClinVar variation 2640422 (VCV002640422.24), dbSNP rs76444314, ClinGen allele CA5479308.

ClinVar aggregate classification (germline): Likely benign (1 of 4 stars; one submission).

Submission:

CeGaT Center for Human Genetics Tuebingen
Classification: Likely benign. Last evaluated: 2023-01-01. Review status: criteria provided, single submitter. Criteria: CeGaT Center For Human Genetics Tuebingen Variant Classification Criteria Version 2. Collection method: clinical testing. Allele origin: germline. Affected: yes. Observed: 1 variant allele.
Comment: CXCL12: BP4, BS2